The following is an entry in ClinVar:

ClinVar aggregate classification (germline): Uncertain significance (1 of 4 stars; one submission).

Conditions:
Atypical glycine encephalopathy. Also called: Glycine encephalopathy with normal serum glycine. Identifiers: Orphanet 289863, MedGen C4310943, MONDO:0015010, OMIM 617301.

Allele frequency attached by ClinVar (database versions not stated): gnomAD exomes below 0.00001; ExAC 0.00001; gnomAD 0.00003; TOPMed 0.00003.
gnomAD v4.1: 6 of 1,614,070 alleles (0.00037%); highest among the groups gnomAD compares: Non-Finnish European, 0.00051%; no homozygotes.

Submission:

Labcorp Genetics (formerly Invitae), Labcorp
Classification: Uncertain significance for Atypical glycine encephalopathy. Last evaluated: 2022-06-12. Review status: criteria provided, single submitter. Criteria: Invitae Variant Classification Sherloc (09022015). Collection method: clinical testing. Allele origin: germline.
Comment: This sequence change replaces asparagine, which is neutral and polar, with lysine, which is basic and polar, at codon 237 of the SLC6A9 protein (p.Asn237Lys). This variant is present in population databases (rs201151302, gnomAD 0.0009%). This variant has not been reported in the literature in individuals affected with SLC6A9-related conditions. Algorithms developed to predict the effect of missense changes on protein structure and function (SIFT, PolyPhen-2, Align-GVGD) all suggest that this variant is likely to be tolerated. In summary, the available evidence is currently insufficient to determine the role of this variant in disease. Therefore, it has been classified as a Variant of Uncertain Significance.

NM_001024845.3(SLC6A9):c.492C>A (p.Asn164Lys)

Gene: SLC6A9 (solute carrier family 6 member 9; minus strand). Cytogenetic location: 1p34.1.
Variant type: single nucleotide variant.
Coding change: c.492C>A on transcript NM_001024845.3 (MANE Select); coding-DNA position 492, C replaced by A.
Protein change: p.Asn164Lys; replaces asparagine 164 with lysine.
Molecular consequence: missense variant. On other transcripts: non-coding transcript variant (1).
Genome position (GRCh38, 1-based): chr1:44,008,451, G>T on the plus strand (C>A on the coding strand, the complement: SLC6A9 is on the minus strand). VCF-style: chr1-44008451-G-T. GRCh37 (hg19) VCF-style: chr1-44474123-G-T.
Other names: c.504C>A, p.Asn168Lys (NM_001261380.2); c.159C>A, p.Asn53Lys (NM_001328626.2, NM_001328630.2); c.429C>A, p.Asn143Lys (NM_001328627.1); c.297C>A, p.Asn99Lys (NM_001328628.1); c.492C>A, p.Asn164Lys (NM_001328629.1); c.549C>A, p.Asn183Lys (NM_006934.4); c.711C>A, p.Asn237Lys (NM_201649.4); short protein forms N53K, N168K, N183K, N99K, N143K, N237K, N164K.
Identifiers: ClinVar variation 2163020 (VCV002163020.1), dbSNP rs201151302, ClinGen allele CA817786.